The following is an entry in ClinVar:

ClinVar aggregate classification (germline): Uncertain significance (1 of 4 stars; one submission).

Conditions:
Hereditary spastic paraplegia 7 (SPG7). Also called: SPASTIC PARAPLEGIA 7, AUTOSOMAL RECESSIVE, WITH OR WITHOUT CEREBELLAR ATAXIA; SPG7-related neurologic disorder; Spastic paraplegia 7; Hereditary spastic paraplegia Paraplegin type; Autosomal recessive spastic paraplegia type 7. Identifiers: Orphanet 99013, MedGen C1846564, MONDO:0011803, OMIM 607259.

gnomAD v4.1: 11 of 1,613,682 alleles (0.00068%); highest among the groups gnomAD compares: Admixed American, 0.0083%; no homozygotes.

Submission:

Labcorp Genetics (formerly Invitae), Labcorp
Classification: Uncertain significance for Hereditary spastic paraplegia 7. Last evaluated: 2025-11-08. Review status: criteria provided, single submitter. Criteria: Invitae Variant Classification Sherloc (09022015). Collection method: clinical testing. Allele origin: germline.
Comment: This sequence change replaces threonine, which is neutral and polar, with methionine, which is neutral and non-polar, at codon 364 of the SPG7 protein (p.Thr364Met). This variant is present in population databases (rs749416897, gnomAD 0.01%). This variant has not been reported in the literature in individuals affected with SPG7-related conditions. Invitae Evidence Modeling of protein sequence and biophysical properties (such as structural, functional, and spatial information, amino acid conservation, physicochemical variation, residue mobility, and thermodynamic stability) indicates that this missense variant is not expected to disrupt SPG7 protein function with a negative predictive value of 80%. In summary, the available evidence is currently insufficient to determine the role of this variant in disease. Therefore, it has been classified as a Variant of Uncertain Significance.

NM_003119.4(SPG7):c.1091C>T (p.Thr364Met)

Gene: SPG7 (SPG7 matrix AAA peptidase subunit, paraplegin; plus strand). Cytogenetic location: 16q24.3.
Variant type: single nucleotide variant.
Coding change: c.1091C>T on transcript NM_003119.4 (MANE Select); coding-DNA position 1091, C replaced by T.
Protein change: p.Thr364Met; replaces threonine 364 with methionine.
Molecular consequence: missense variant.
Genome position (GRCh38, 1-based): chr16:89,532,007, C>T. VCF-style: chr16-89532007-C-T. GRCh37 (hg19) VCF-style: chr16-89598415-C-T.
Other names: c.1091C>T, p.Thr364Met (NM_001363850.1, NM_199367.3); short protein forms T364M.
Identifiers: ClinVar variation 4771295 (VCV004771295.1).
Genomic context (GRCh38, chr16:89,532,007, plus strand): 5'-GCGCACTGCTGCTCGGCCCCCCCGGCTGTGGGAAGACGCTGCTGGCCAAGGCGGTGGCCA[C>T]GGAGGCTCAGGTGCCCTTCCTGGCGATGGCCGGCCCAGAGTTCGTGGAGGTCATTGGAGG-3'
Protein context (NP_003110.1, residues 354-374): GKTLLAKAVA[Thr364Met]EAQVPFLAMA